The following is an entry in ClinVar:

NM_015102.5(NPHP4):c.1328T>A (p.Leu443His)

Gene: NPHP4 (nephrocystin 4; minus strand). Cytogenetic location: 1p36.31.
Variant type: single nucleotide variant.
Coding change: c.1328T>A on transcript NM_015102.5 (MANE Select); coding-DNA position 1328, T replaced by A.
Protein change: p.Leu443His; replaces leucine 443 with histidine.
Molecular consequence: missense variant. On other transcripts: 5 prime UTR variant (2), non-coding transcript variant (1).
Genome position (GRCh38, 1-based): chr1:5,927,762, A>T on the plus strand (T>A on the coding strand, the complement: NPHP4 is on the minus strand). VCF-style: chr1-5927762-A-T. GRCh37 (hg19) VCF-style: chr1-5987822-A-T.
Other names: c.-39T>A (NM_001291593.2, NM_001291594.2); short protein forms L443H.
Identifiers: ClinVar variation 2135197 (VCV002135197.4), dbSNP rs1283665068, ClinGen allele CA338060235.

ClinVar aggregate classification (germline): Uncertain significance (1 of 4 stars; one submission).

Conditions:
Nephronophthisis. Also called: Juvenile Nephronophthisis. Identifiers: Orphanet 655, MedGen C0687120, MONDO:0019005, HP:0000090.

gnomAD v4.1: 3 of 1,612,744 alleles (0.00019%); highest among the groups gnomAD compares: Non-Finnish European, 0.00025%; no homozygotes.

Submission:

Labcorp Genetics (formerly Invitae), Labcorp
Classification: Uncertain significance for Nephronophthisis. Last evaluated: 2022-11-08. Review status: criteria provided, single submitter. Criteria: Invitae Variant Classification Sherloc (09022015). Collection method: clinical testing. Allele origin: germline.
Comment: Advanced modeling of protein sequence and biophysical properties (such as structural, functional, and spatial information, amino acid conservation, physicochemical variation, residue mobility, and thermodynamic stability) performed at Invitae indicates that this missense variant is expected to disrupt NPHP4 protein function. In summary, the available evidence is currently insufficient to determine the role of this variant in disease. Therefore, it has been classified as a Variant of Uncertain Significance. This variant has not been reported in the literature in individuals affected with NPHP4-related conditions. This variant is present in population databases (no rsID available, gnomAD 0.0009%). This sequence change replaces leucine, which is neutral and non-polar, with histidine, which is basic and polar, at codon 443 of the NPHP4 protein (p.Leu443His).